The following is an entry in ClinVar:

ClinVar aggregate classification (germline): Pathogenic (1 of 4 stars; one submission).

Submission:

GeneDx
Classification: Pathogenic. Last evaluated: 2023-12-22. Review status: criteria provided, single submitter. Criteria: GeneDx Variant Classification Process June 2021. Collection method: clinical testing. Allele origin: germline. Affected: yes.
Comment: Non-canonical splice site variant demonstrated to result in loss of function (PMID: 20190548); Not observed at significant frequency in large population cohorts (gnomAD); This variant is associated with the following publications: (PMID: 15521956, 20190548)

NM_002734.5(PRKAR1A):c.349G>T (p.Val117Phe)

Gene: PRKAR1A (protein kinase cAMP-dependent type I regulatory subunit alpha; plus strand). Cytogenetic location: 17q24.2.
Variant type: single nucleotide variant.
Coding change: c.349G>T on transcript NM_002734.5 (MANE Select); coding-DNA position 349, G replaced by T.
Protein change: p.Val117Phe; replaces valine 117 with phenylalanine.
Molecular consequence: missense variant.
Genome position (GRCh38, 1-based): chr17:68,523,725, G>T. VCF-style: chr17-68523725-G-T. GRCh37 (hg19) VCF-style: chr17-66519866-G-T.
Other names: c.349G>T, p.Val117Phe (NM_001276289.2, NM_001276290.1, NM_001278433.2 and 4 more transcripts); short protein forms V117F.
Identifiers: ClinVar variation 3338884 (VCV003338884.1).
Genomic context (GRCh38, chr17:68,523,725, plus strand): 5'-TGCAAACGTGAAATGTTTTTGGTTTATGGAATTGTCATTTGACCTTCAGTTCTTTTCTAG[G>T]TTATACCAAAAGATTACAAGACAATGGCCGCTTTAGCCAAAGCCATTGAAAAGAATGTGC-3'
Protein context (NP_002725.1, residues 107-127): EEDAASYVRK[Val117Phe]IPKDYKTMAA